The following is an entry in ClinVar:

ClinVar aggregate classification (germline): Uncertain significance (1 of 4 stars; one submission).

Conditions:
Familial hemophagocytic lymphohistiocytosis 5. Also called: STXBP2-Related Familial Hemophagocytic Lymphohistiocytosis (STXBP2-fHLH). Identifiers: Orphanet 540, MedGen C2751293, MONDO:0013135, OMIM 613101.

Allele frequency attached by ClinVar (database versions not stated): TOPMed below 0.00001; ExAC 0.00002.
gnomAD v4.1: 2 of 1,613,746 alleles (0.00012%); highest among the groups gnomAD compares: Admixed American, 0.0033%; no homozygotes.

Submission:

Labcorp Genetics (formerly Invitae), Labcorp
Classification: Uncertain significance for Familial hemophagocytic lymphohistiocytosis 5. Last evaluated: 2022-08-20. Review status: criteria provided, single submitter. Criteria: Invitae Variant Classification Sherloc (09022015). Collection method: clinical testing. Allele origin: germline.
Comment: This sequence change replaces threonine, which is neutral and polar, with serine, which is neutral and polar, at codon 304 of the STXBP2 protein (p.Thr304Ser). This variant is present in population databases (rs751383385, gnomAD 0.003%). This variant has not been reported in the literature in individuals affected with STXBP2-related conditions. Algorithms developed to predict the effect of missense changes on protein structure and function are either unavailable or do not agree on the potential impact of this missense change (SIFT: "Tolerated"; PolyPhen-2: "Possibly Damaging"; Align-GVGD: "Class C0"). In summary, the available evidence is currently insufficient to determine the role of this variant in disease. Therefore, it has been classified as a Variant of Uncertain Significance.

NM_006949.4(STXBP2):c.910A>T (p.Thr304Ser)

Gene: STXBP2 (syntaxin binding protein 2; plus strand). Cytogenetic location: 19p13.2.
Variant type: single nucleotide variant.
Coding change: c.910A>T on transcript NM_006949.4 (MANE Select); coding-DNA position 910, A replaced by T.
Protein change: p.Thr304Ser; replaces threonine 304 with serine.
Molecular consequence: missense variant. On other transcripts: non-coding transcript variant (1).
Genome position (GRCh38, 1-based): chr19:7,642,773, A>T. VCF-style: chr19-7642773-A-T. GRCh37 (hg19) VCF-style: chr19-7707659-A-T.
Other names: c.814A>T, p.Thr272Ser (NM_001414484.1); c.901A>T, p.Thr301Ser (NM_001127396.3); c.943A>T, p.Thr315Ser (NM_001272034.2); short protein forms T315S, T272S, T301S, T304S.
Identifiers: ClinVar variation 2088729 (VCV002088729.1), dbSNP rs751383385, ClinGen allele CA9143871.